The following is an entry in ClinVar:

NC_000022.11:g.40345514C>T

Gene: ADSL (adenylosuccinate lyase; plus strand). Cytogenetic location: 22q13.1.
Variant type: single nucleotide variant.
Genome position: GRCh38 VCF-style: chr22-40345514-C-T. GRCh37 (hg19) VCF-style: chr22-40741518-C-T.
Identifiers: ClinVar variation 2135588 (VCV002135588.5), dbSNP rs2044102302, ClinGen allele CA2405715343.

ClinVar aggregate classification (germline): Uncertain significance (1 of 4 stars; one submission).

Conditions:
Adenylosuccinate lyase deficiency (ADSLD). Also called: ADSL DEFICIENCY. Identifiers: Orphanet 46, MedGen C0268126, MONDO:0007068, OMIM 103050.

Allele frequency attached by ClinVar (database versions not stated): TOPMed 0.00001.

Submission:

Labcorp Genetics (formerly Invitae), Labcorp
Classification: Uncertain significance for Adenylosuccinate lyase deficiency. Last evaluated: 2023-03-22. Review status: criteria provided, single submitter. Criteria: Invitae Variant Classification Sherloc (09022015). Collection method: clinical testing. Allele origin: germline.
Comment: In summary, the available evidence is currently insufficient to determine the role of this variant in disease. Therefore, it has been classified as a Variant of Uncertain Significance. Experimental studies and prediction algorithms are not available or were not evaluated, and the functional significance of this variant is currently unknown. This variant has not been reported in the literature in individuals affected with ADSL-related conditions. The frequency data for this variant in the population databases is considered unreliable, as metrics indicate insufficient coverage at this position in the gnomAD database. This variant occurs in a non-coding region of the ADSL gene. It does not change the encoded amino acid sequence of the ADSL protein.